The following is an entry in ClinVar:

NC_000023.10:g.(32867938_33038255)_(33038318_33229398)dup

Gene: DMD (dystrophin; minus strand). Cytogenetic location: Xp21.1.
Variant type: Duplication.
Identifiers: ClinVar variation 1696241 (VCV001696241.1).

ClinVar aggregate classification (germline): Pathogenic (1 of 4 stars; one submission).

Conditions:
Neuromuscular disease caused by qualitative or quantitative defects of dystrophin. Also called: Qualitative or quantitative defects of dystrophin. Identifiers: Orphanet 207085, MedGen C5679787, MONDO:0016147.

Submission:

Women's Health and Genetics/Laboratory Corporation of America, LabCorp
Classification: Pathogenic for Neuromuscular disease caused by qualitative or quantitative defects of dystrophin. Last evaluated: 2022-05-20. Review status: criteria provided, single submitter. Criteria: LabCorp Variant Classification Summary - May 2015. Collection method: clinical testing. Allele origin: germline.
Comment: Variant summary: The variant identified by MLPA or other technology involves the duplication of exon 2 in the DMD gene. A presumed nomenclature of c.(31+1_32-1)_(93+1_94-1)dup has been designated for the purposes of this classification. It has been assumed that this is a tandem duplication in direct orientation (Richardson_GIM_2018, Newman_AJHG_2015). Although exact breakpoints of this duplication are not known, it is expected to result in a frameshift in the DMD gene. The variant allele was found at a frequency of 0.00032 in 15813 control chromosomes in the gnomAD database, including 5 hemizygotes. c.(31+1_32-1)_(93+1_94-1)dup has been reported in the literature in multiple individuals affected with Dystrophinopathies (e.g. White_2002, Flanigan_2009, Chen_2014). These data indicate that the variant is very likely to be associated with disease. One ClinVar submitter has assessed the variant since 2014: the variant was classified as pathogenic. Based on the evidence outlined above, the variant was classified as pathogenic.

Literature cited by the submitters: PubMed 19937601; PubMed 25244321; PubMed 12111668.